The following is an entry in ClinVar:

ClinVar aggregate classification (germline): Uncertain significance (1 of 4 stars; one submission).

Conditions:
Epilepsy. Also called: Seizure disorder. Identifiers: MedGen C0014544, MeSH D004827, MONDO:0005027.

Allele frequency attached by ClinVar (database versions not stated): gnomAD 0.00001; TOPMed 0.00001.

Submission:

Labcorp Genetics (formerly Invitae), Labcorp
Classification: Uncertain significance for Epilepsy. Last evaluated: 2022-07-11. Review status: criteria provided, single submitter. Criteria: Invitae Variant Classification Sherloc (09022015). Collection method: clinical testing. Allele origin: germline.
Comment: ClinVar contains an entry for this variant (Variation ID: 1055250). In summary, the available evidence is currently insufficient to determine the role of this variant in disease. Therefore, it has been classified as a Variant of Uncertain Significance. Algorithms developed to predict the effect of missense changes on protein structure and function are either unavailable or do not agree on the potential impact of this missense change (SIFT: "Deleterious"; PolyPhen-2: "Benign"; Align-GVGD: "Class C0"). This variant has not been reported in the literature in individuals affected with PIGQ-related conditions. This variant is not present in population databases (gnomAD no frequency). This sequence change replaces valine, which is neutral and non-polar, with methionine, which is neutral and non-polar, at codon 366 of the PIGQ protein (p.Val366Met).

NM_004204.5(PIGQ):c.1096G>A (p.Val366Met)

Gene: PIGQ (phosphatidylinositol glycan anchor biosynthesis class Q; plus strand). Cytogenetic location: 16p13.3.
Variant type: single nucleotide variant.
Coding change: c.1096G>A on transcript NM_004204.5 (MANE Select); coding-DNA position 1096, G replaced by A.
Protein change: p.Val366Met; replaces valine 366 with methionine.
Molecular consequence: missense variant.
Genome position (GRCh38, 1-based): chr16:578,811, G>A. VCF-style: chr16-578811-G-A. GRCh37 (hg19) VCF-style: chr16-628811-G-A.
Other names: c.1096G>A, p.Val366Met (NM_148920.4); short protein forms V366M.
Identifiers: ClinVar variation 1055250 (VCV001055250.9), dbSNP rs2035762945, ClinGen allele CA394056688.